The following is an entry in ClinVar:

ClinVar aggregate classification (germline): Pathogenic (1 of 4 stars; one submission).

Conditions:
Hereditary cancer-predisposing syndrome. Also called: Neoplastic Syndromes, Hereditary; Tumor predisposition; Hereditary Cancer Syndrome; Hereditary neoplastic syndrome. Identifiers: Orphanet 140162, MedGen C0027672, MeSH D009386, MONDO:0015356.

Submission:

Ambry Genetics
Classification: Pathogenic for Hereditary cancer-predisposing syndrome. Last evaluated: 2022-12-01. Review status: criteria provided, single submitter. Criteria: Ambry Variant Classification Scheme 2023. Collection method: clinical testing. Allele origin: germline.
Comment: The c.201_205dupAGCCC pathogenic mutation, located in coding exon 2 of the SDHAF2 gene, results from a duplication of AGCCC at nucleotide position 201, causing a translational frameshift with a predicted alternate stop codon (p.R69Qfs*31). This alteration is expected to result in loss of function by premature protein truncation or nonsense-mediated mRNA decay. As such, this alteration is interpreted as a disease-causing mutation.

NM_017841.4(SDHAF2):c.201_205dup (p.Arg69fs)

Gene: SDHAF2 (succinate dehydrogenase complex assembly factor 2; plus strand). Cytogenetic location: 11q12.2.
Variant type: Duplication.
Coding change: c.201_205dup on transcript NM_017841.4 (MANE Select); coding-DNA positions 201 to 205, 5 bases duplicated (AGCCC; older notation c.201_205dupAGCCC).
Protein change: p.Arg69fs; shifts the reading frame from arginine 69.
Molecular consequence: frameshift variant.
Genome position (GRCh38, 1-based): chr11:61,437,789-61,437,793, AGCCC duplicated. VCF-style (leftmost placement, unchanged base first): chr11-61437788-G-GAGCCC. GRCh37 (hg19) VCF-style: chr11-61205260-G-GAGCCC.
Other names: short protein forms R69fs.
Identifiers: ClinVar variation 820509 (VCV000820509.5), dbSNP rs1590764868, ClinGen allele CA915948118.
Genomic context (GRCh38, chr11:61,437,788, plus strand): 5'-TGATTGAAATCCCTTTGCCTCCATGGCAGGAGAGAACTGATGAATCCATAGAAACCAAAA[G>GAGCCC]AGCCCGCCTGCTCTATGAGAGCAGAAAGAGGGGAATGTTGGAAAACTGCATTCTTCTTAG-3'